The following is an entry in ClinVar:

ClinVar aggregate classification (germline): Uncertain significance. Review status: criteria provided, multiple submitters, no conflicts (2 of 4 stars). 2 submissions from 2 submitters: Uncertain significance (2). Last evaluated 2022-06-16.

Conditions:
Congenital myotonia, autosomal recessive form. Also called: BECKER DISEASE; Becker Generalized Myotonia; myotonia congenita, autosomal recessive. Identifiers: Orphanet 614, MedGen C0751360, MONDO:0009715, OMIM 255700.
Congenital myotonia, autosomal dominant form (THD). Also called: THOMSEN DISEASE; Myotonia congenita autosomal dominant. Identifiers: Orphanet 614, MedGen C2936781, MONDO:0008055, OMIM 160800.

Allele frequency attached by ClinVar (database versions not stated): ExAC 0.00001; gnomAD 0.00001; gnomAD exomes 0.00001 and 0.00002; TOPMed 0.00002; ESP Exome Variant Server 0.00008.
gnomAD v4.1: 26 of 1,613,688 alleles (0.0016%); highest among the groups gnomAD compares: South Asian, 0.0022%; no homozygotes.

Submissions (2):

Labcorp Genetics (formerly Invitae), Labcorp
Classification: Uncertain significance for Congenital myotonia, autosomal recessive form; Congenital myotonia, autosomal dominant form. Last evaluated: 2022-06-16. Review status: criteria provided, single submitter. Criteria: Invitae Variant Classification Sherloc (09022015). Collection method: clinical testing. Allele origin: germline.
Comment: This sequence change replaces serine, which is neutral and polar, with proline, which is neutral and non-polar, at codon 97 of the CLCN1 protein (p.Ser97Pro). This variant is present in population databases (rs201591839, gnomAD 0.003%). This variant has not been reported in the literature in individuals affected with CLCN1-related conditions. ClinVar contains an entry for this variant (Variation ID: 1303929). Algorithms developed to predict the effect of missense changes on protein structure and function are either unavailable or do not agree on the potential impact of this missense change (SIFT: "Deleterious"; PolyPhen-2: "Probably Damaging"; Align-GVGD: "Class C0"). In summary, the available evidence is currently insufficient to determine the role of this variant in disease. Therefore, it has been classified as a Variant of Uncertain Significance.

GeneDx
Classification: Uncertain significance. Last evaluated: 2020-05-14. Review status: criteria provided, single submitter. Criteria: GeneDx Variant Classification Process June 2021. Collection method: clinical testing. Allele origin: germline. Affected: yes.
Comment: Not observed at a significant frequency in large population cohorts (Lek et al., 2016); In silico analysis supports that this missense variant has a deleterious effect on protein structure/function; Has not been previously published as pathogenic or benign to our knowledge

NM_000083.3(CLCN1):c.289T>C (p.Ser97Pro)

Gene: CLCN1 (chloride voltage-gated channel 1; plus strand). Cytogenetic location: 7q34.
Variant type: single nucleotide variant.
Coding change: c.289T>C on transcript NM_000083.3 (MANE Select); coding-DNA position 289, T replaced by C.
Protein change: p.Ser97Pro; replaces serine 97 with proline.
Molecular consequence: missense variant. On other transcripts: non-coding transcript variant (1).
Genome position (GRCh38, 1-based): chr7:143,319,863, T>C. VCF-style: chr7-143319863-T-C. GRCh37 (hg19) VCF-style: chr7-143016956-T-C.
Other names: short protein forms S97P.
Identifiers: ClinVar variation 1303929 (VCV001303929.3), dbSNP rs201591839, ClinGen allele CA4536883.